The following is an entry in ClinVar:

ClinVar aggregate classification (germline): Pathogenic. Review status: reviewed by expert panel (3 of 4 stars). 13 submissions from 13 submitters: Pathogenic (1). 12 of the submissions do not count toward it. Last evaluated 2018-08-05.

Conditions:
PAH-related disorder. Also called: PAH-related condition.
Phenylketonuria (PKU). Also called: Phenylketonuria (PKU); Phenylketonurias; OLIGOPHRENIA PHENYLPYRUVICA; FOLLING DISEASE. Identifiers: Orphanet 716, MedGen C0031485, MONDO:0009861, OMIM 261600. Disease mechanism: loss of function.

Allele frequency attached by ClinVar (database versions not stated): TOPMed 0.00002.
gnomAD v4.1: 23 of 1,613,846 alleles (0.0014%); highest among the groups gnomAD compares: East Asian, 0.027%; no homozygotes.

Submissions (13):

ClinGen PAH Variant Curation Expert Panel
Classification: Pathogenic for Phenylketonuria. Last evaluated: 2018-08-05. Review status: reviewed by expert panel. Criteria: ClinGen PAH ACMG Specifications v1. Collection method: curation. Allele origin: germline. Inheritance: Autosomal recessive inheritance.
Comment: PAH-specific ACMG/AMP criteria applied: PS3: In vitro expression of altered protein in COS cells produces severe decrease of PAH activity (<3%); PM2: Extremely low frequency. ExAC MAF=0.00012; PP4_Moderate: Detected in PKU patients, BH4 deficiency excluded; PP3: Predicted deleterious in SIFT, Polyphen-2, MutationTaster. REVEL=0.895; PM3: Detected with V388M (pathogenic) in 2 patients (PMID:9860305; PMID:21307867). In summary this variant meets criteria to be classified as pathogenic for phenylketonuria in an autosomal recessive manner based on the ACMG/AMP criteria applied as specified by the PAH Expert Panel: (PS3, PM2, PP4_Moderate, PP3, PM3).

PreventionGenetics, part of Exact Sciences
Classification: Pathogenic for PAH-related condition. Last evaluated: 2026-09-17. Review status: criteria provided, single submitter. Criteria: ACMG Guidelines, 2015. Collection method: clinical testing. Allele origin: germline. Not counted in ClinVar's aggregate classification.
Comment: The PAH c.1238G>C variant is predicted to result in the amino acid substitution p.Arg413Pro. This variant has been commonly reported in the homozygous and compound heterozygous state in many patients with phenylalanine hydroxylase deficiency (for example, see Okano et al. 2011. PubMed ID: 21307867; Su et al. 2019. PubMed ID: 31355225; Yan et al. 2019. PubMed ID: 30747360; Table S2, Hillert et al. 2020. PubMed ID: 32668217). In functional studies using COS cells, the p.Arg413Pro variant was reported to reduce enzyme activity to ~3-11% (Shi et al. 2012. PubMed ID: 21953985; Himmelreich et al. 2018. PubMed ID: 30037505). In the homozygous state or compound heterozygous with another known severe PAH variant, the p.Arg413Pro substitution has been reportedly associated with classic phenylketonuria (PKU) (Okano et al. 2011. PubMed ID: 21307867; see also the BioPKU database). Several other substitutions of the same amino acid have been reported in patients with phenylalanine hydroxylase deficiency (p.Arg413Ser in Guldberg. 1998. PubMed ID: 9634518; p.Arg413Gly in Song et al. 2010. PubMed ID: 20140859; p.Arg413His in Chen. 2018. PubMed ID: 30459323). This variant is reported in 0.0054% of alleles in individuals of East Asian descent in gnomAD. This variant is interpreted as pathogenic by the ClinGen PAH Variant Curation Expert Panel as well as multiple other laboratories (Variation ID: 592). Based on the collective evidence, we interpret this variant as pathogenic.

Labcorp Genetics (formerly Invitae), Labcorp
Classification: Pathogenic for Phenylketonuria. Last evaluated: 2026-01-19. Review status: criteria provided, single submitter. Criteria: Invitae Variant Classification Sherloc (09022015). Collection method: clinical testing. Allele origin: germline. Not counted in ClinVar's aggregate classification.
Comment: This sequence change replaces arginine, which is basic and polar, with proline, which is neutral and non-polar, at codon 413 of the PAH protein (p.Arg413Pro). This variant is present in population databases (rs79931499, gnomAD 0.006%). This missense change has been observed in individual(s) with PAH-related disease (PMID: 24401910, 27264808). ClinVar contains an entry for this variant (Variation ID: 592). Invitae Evidence Modeling of protein sequence and biophysical properties (such as structural, functional, and spatial information, amino acid conservation, physicochemical variation, residue mobility, and thermodynamic stability) indicates that this missense variant is expected to disrupt PAH protein function with a positive predictive value of 80%. Experimental studies have shown that this missense change affects PAH function (PMID: 17935162, 21953985). For these reasons, this variant has been classified as Pathogenic.

Natera, Inc.
Classification: Pathogenic for Phenylketonuria. Last evaluated: 2024-11-04. Review status: criteria provided, single submitter. Criteria: Natera Variant Classification Schema (03/2026). Collection method: clinical testing. Allele origin: germline. Not counted in ClinVar's aggregate classification.
Comment: The c.1238G>C variant in PAH is a missense variant predicted to cause substitution of arginine to proline at amino acid 413. This variant is rare in the general population with a frequency below the threshold expected for the associated phenotype(s). This variant has been observed in one or more individuals affected with the associated recessive disease, as either homozygous or compound heterozygous with a second variant (PMID: 8091967, 23932990). Given the available evidence, this variant is classified as Pathogenic.

Mayo Clinic Laboratories, Mayo Clinic
Classification: Pathogenic. Last evaluated: 2023-11-01. Review status: criteria provided, single submitter. Criteria: ACMG Guidelines, 2015. Collection method: clinical testing. Allele origin: germline. Observed: 1 variant allele. Not counted in ClinVar's aggregate classification.
Comment: PP3, PM2_moderate, PM3, PS3

GeneDx
Classification: Pathogenic. Last evaluated: 2023-06-28. Review status: criteria provided, single submitter. Criteria: GeneDx Variant Classification Process June 2021. Collection method: clinical testing. Allele origin: germline. Affected: yes. Not counted in ClinVar's aggregate classification.
Comment: Functional studies found this variant is associated with severely diminished or completely absent of PAH enzyme activity compared to wildtype, supporting a damaging effect (Himmelreich et al., 2018; Wang et al., 1991); Not observed at significant frequency in large population cohorts (gnomAD); In silico analysis supports that this missense variant has a deleterious effect on protein structure/function; Classified as responsive to tetrahydrobiopterin (BH4) therapy (Zurfluh et al. 2008); This variant is associated with the following publications: (PMID: 14654665, 8051931, 27173423, 29413232, 34704413, 29499199, 24401910, 21953985, 1301187, 2006152, 27264808, 25750018, 8929956, 25550961, 10484807, 9048935, 29317692, 30221392, 31355225, 30747360, 30275481, 26322415, 21307867, 15319459, 9860305, 1998345, 33677757, 32668217, 32778825, 30037505, 35314707, 29353259, 35405047, 33161754, 17935162, 16253218)

Blueprint Genetics
Classification: Pathogenic for PAH-related disorders. Last evaluated: 2022-07-18. Review status: criteria provided, single submitter. Criteria: ACMG Guidelines, 2015. Collection method: clinical testing. Allele origin: germline. Affected: yes. Observed: 3 variant alleles. Not counted in ClinVar's aggregate classification.

Eurofins Ntd Llc (ga)
Classification: Pathogenic. Last evaluated: 2017-02-07. Review status: criteria provided, single submitter. Criteria: EGL Classification Definitions 2015. Collection method: clinical testing. Allele origin: germline. Observed: 1 variant allele, 1 heterozygote. Not counted in ClinVar's aggregate classification.

Women's Health and Genetics/Laboratory Corporation of America, LabCorp
Classification: Pathogenic for Phenylketonuria. Last evaluated: 2016-08-05. Review status: criteria provided, single submitter. Criteria: LabCorp Variant Classification Summary - May 2015. Collection method: clinical testing. Allele origin: germline. Not counted in ClinVar's aggregate classification.
Comment: Variant summary: The PAH c.1238G>C (p.Arg413Pro) variant causes a missense change involving a non-conserved nucleotide with 5/5 in silico tools predicting a damaging outcome. The variant of interest was observed in the large, broad control population, ExAC, with an allele frequency 1/121344, which does not exceed the estimated maximal expected allele frequency for a pathogenic PAH variant of 1/126. The variant of interest was found in multiple affected individuals diagnosed with classic PKU via publications and has been indicated that it is predominantly observed in populations of Asian origin. In addition, publications indicated that the patients showed zero PAH activity. In addition, multiple databases/clinical laboratories cite the variant as "pathogenic." Therefore, the variant of interest has been classified as "pathogenic."

Juno Genomics, Hangzhou Juno Genomics, Inc
Classification: Pathogenic for Phenylketonuria. Review status: criteria provided, single submitter. Criteria: ACMG Guidelines, 2015. Collection method: clinical testing. Allele origin: germline. Affected: yes. Not counted in ClinVar's aggregate classification.
Comment: Well-established in vitro or in vivo functional studies supportive of a damaging effect on the gene or gene product.;For recessive disorders, detected in trans with a pathogenic variant.

Counsyl
Classification: Pathogenic for Phenylketonuria. Last evaluated: 2016-05-04. Review status: no assertion criteria provided. Collection method: clinical testing. Allele origin: unknown. Not counted in ClinVar's aggregate classification.

OMIM
Classification: Pathogenic for PHENYLKETONURIA. Last evaluated: 1991-03-01. Review status: no assertion criteria provided. Collection method: literature only. Allele origin: germline. Not counted in ClinVar's aggregate classification.

DeBelle Laboratory for Biochemical Genetics, MUHC/MCH RESEARCH INSTITUTE
No classification provided. Review status: no classification provided. Collection method: not provided. Allele origin: not provided. Not counted in ClinVar's aggregate classification.

Literature cited by the submitters: PubMed 21307867 (cited by 3 submitters); PubMed 9860305 (cited by ClinGen PAH Variant Curation Expert Panel and Mayo Clinic Laboratories, Mayo Clinic); PubMed 24401910 (cited by Labcorp Genetics (formerly Invitae), Labcorp and Mayo Clinic Laboratories, Mayo Clinic); PubMed 27264808 (cited by Labcorp Genetics (formerly Invitae), Labcorp); PubMed 17935162 (cited by Labcorp Genetics (formerly Invitae), Labcorp); PubMed 21953985 (cited by Labcorp Genetics (formerly Invitae), Labcorp); PubMed 8091967 (cited by Natera, Inc.); PubMed 23932990 (cited by Natera, Inc.); PubMed 1998345 (cited by Mayo Clinic Laboratories, Mayo Clinic and OMIM); PubMed 2006152 (cited by Mayo Clinic Laboratories, Mayo Clinic); PubMed 32893076 (cited by Mayo Clinic Laboratories, Mayo Clinic); PubMed 33803550 (cited by Mayo Clinic Laboratories, Mayo Clinic); PubMed 15319459 (cited by Women's Health and Genetics/Laboratory Corporation of America, LabCorp); PubMed 26322415 (cited by Counsyl); Wang, T., Woo, S. L. C. Personal Communication. 1990. Houston, Tex. (cited by OMIM).

NM_000277.3(PAH):c.1238G>C (p.Arg413Pro)

Gene: PAH (phenylalanine hydroxylase; minus strand). Cytogenetic location: 12q23.2.
Variant type: single nucleotide variant.
Coding change: c.1238G>C on transcript NM_000277.3 (MANE Select); coding-DNA position 1238, G replaced by C.
Protein change: p.Arg413Pro; replaces arginine 413 with proline.
Molecular consequence: missense variant.
Genome position (GRCh38, 1-based): chr12:102,840,477, C>G on the plus strand (G>C on the coding strand, the complement: PAH is on the minus strand). VCF-style: chr12-102840477-C-G. GRCh37 (hg19) VCF-style: chr12-103234255-C-G.
Other names: NM_000277.1(PAH):c.1238G>C; c.1238G>C, p.Arg413Pro (NM_001354304.2); c.1238G>C (NM_000277.2); short protein forms R413P.
Identifiers: ClinVar variation 592 (VCV000000592.103), dbSNP rs79931499, ClinGen allele CA229414.